The following is an entry in ClinVar:

ClinVar aggregate classification (germline): Pathogenic (1 of 4 stars; one submission).

Submission:

GeneDx
Classification: Pathogenic. Last evaluated: 2017-08-10. Review status: criteria provided, single submitter. Criteria: GeneDx Variant Classification (06012015). Collection method: clinical testing. Allele origin: germline. Affected: yes.
Comment: This deletion of five nucleotides in ATM is denoted c.364_368delAATTA at the cDNA level and p.Asn122TyrfsX10 (N122YfsX10) at the protein level. The normal sequence, with the bases that are deleted in brackets, is CTTA[delAATTA]TATC. The deletion causes a frameshift which changes an Asparagine to a Tyrosine at codon 122, and creates a premature stop codon at position 10 of the new reading frame. This variant is predicted to cause loss of normal protein function through either protein truncation or nonsense-mediated mRNA decay. ATM c.364_368delAATTA has been observed, in the compound heterozygous state, in an individual with Ataxia-telangiectasia (Meneret 2014). Based on the currently available information, we consider this deletion to be a pathogenic variant.

NM_000051.4(ATM):c.364_368del (p.Asn122fs)

Gene: ATM (ATM serine/threonine kinase; plus strand). Cytogenetic location: 11q22.3.
Variant type: Deletion.
Coding change: c.364_368del on transcript NM_000051.4 (MANE Select); coding-DNA positions 364 to 368, 5 bases deleted (AATTA; older notation c.364_368delAATTA).
Protein change: p.Asn122fs; shifts the reading frame from asparagine 122.
Molecular consequence: frameshift variant.
Genome position (GRCh38, 1-based): chr11:108,235,702-108,235,706, AATTA deleted; deleting any 5 consecutive bases within chr11:108,235,699-108,235,706 gives the same sequence; the c. name uses the placement nearest the transcript's 3' end. VCF-style (leftmost placement, unchanged base first): chr11-108235698-CTTAAA-C. GRCh37 (hg19) VCF-style: chr11-108106425-CTTAAA-C.
Other names: c.364_368delAATTA (NM_000051.3); c.364_368del, p.Asn122fs (NM_001351834.2); short protein forms N122fs.
Identifiers: ClinVar variation 545739 (VCV000545739.2), dbSNP rs1555059095, ClinGen allele CA658821424.